The following is an entry in ClinVar:

NM_031471.6(FERMT3):c.1013C>T (p.Ala338Val)

Gene: FERMT3 (FERM domain containing kindlin 3; plus strand). Cytogenetic location: 11q13.1.
Variant type: single nucleotide variant.
Coding change: c.1013C>T on transcript NM_031471.6 (MANE Select); coding-DNA position 1013, C replaced by T.
Protein change: p.Ala338Val; replaces alanine 338 with valine.
Molecular consequence: missense variant.
Genome position (GRCh38, 1-based): chr11:64,219,642, C>T. VCF-style: chr11-64219642-C-T. GRCh37 (hg19) VCF-style: chr11-63987114-C-T.
Other names: c.1013C>T (NM_031471.5); c.1013C>T, p.Ala338Val (NM_001382361.1, NM_001382362.1, NM_001382448.1 and 1 more transcripts); c.473C>T, p.Ala158Val (NM_001382363.1, NM_001382364.1); short protein forms A158V, A338V.
Identifiers: ClinVar variation 1420050 (VCV001420050.7), dbSNP rs1006026359, ClinGen allele CA223844540.

ClinVar aggregate classification (germline): Uncertain significance. Review status: criteria provided, multiple submitters, no conflicts (2 of 4 stars). 2 submissions from 2 submitters: Uncertain significance (2). Last evaluated 2025-06-18.

Conditions:
Leukocyte adhesion deficiency 3. Also called: INTEGRIN ACTIVATION DEFICIENCY DISEASE; LEUKOCYTE ADHESION DEFICIENCY 1 VARIANT; Leukocyte adhesion deficiency, type III. Identifiers: Orphanet 2968, Orphanet 99844, MedGen C2748536, MONDO:0013016, OMIM 612840.
Inborn genetic diseases. Identifiers: MedGen C0950123, MeSH D030342.

Allele frequency attached by ClinVar (database versions not stated): gnomAD exomes below 0.00001; gnomAD 0.00001; TOPMed 0.00002.

Submissions (2):

Ambry Genetics
Classification: Uncertain significance for Inborn genetic diseases. Last evaluated: 2025-06-18. Review status: criteria provided, single submitter. Criteria: Ambry Variant Classification Scheme 2023. Collection method: clinical testing. Allele origin: germline.

Labcorp Genetics (formerly Invitae), Labcorp
Classification: Uncertain significance for Leukocyte adhesion deficiency 3. Last evaluated: 2021-04-09. Review status: criteria provided, single submitter. Criteria: Invitae Variant Classification Sherloc (09022015). Collection method: clinical testing. Allele origin: germline.
Comment: Algorithms developed to predict the effect of sequence changes on RNA splicing suggest that this variant may create or strengthen a splice site, but this prediction has not been confirmed by published transcriptional studies. Algorithms developed to predict the effect of missense changes on protein structure and function (SIFT, PolyPhen-2, Align-GVGD) all suggest that this variant is likely to be tolerated, but these predictions have not been confirmed by published functional studies and their clinical significance is uncertain. This variant has not been reported in the literature in individuals with FERMT3-related conditions. This variant is not present in population databases (ExAC no frequency). This sequence change replaces alanine with valine at codon 338 of the FERMT3 protein (p.Ala338Val). The alanine residue is moderately conserved and there is a small physicochemical difference between alanine and valine. In summary, the available evidence is currently insufficient to determine the role of this variant in disease. Therefore, it has been classified as a Variant of Uncertain Significance.